The following is an entry in ClinVar:

NM_005559.4(LAMA1):c.1642G>A (p.Gly548Arg)

Gene: LAMA1 (laminin subunit alpha 1; minus strand). Cytogenetic location: 18p11.31.
Variant type: single nucleotide variant.
Coding change: c.1642G>A on transcript NM_005559.4 (MANE Select); coding-DNA position 1642, G replaced by A.
Protein change: p.Gly548Arg; replaces glycine 548 with arginine.
Molecular consequence: missense variant.
Genome position (GRCh38, 1-based): chr18:7,037,673, C>T on the plus strand (G>A on the coding strand, the complement: LAMA1 is on the minus strand). VCF-style: chr18-7037673-C-T. GRCh37 (hg19) VCF-style: chr18-7037672-C-T.
Other names: p.Gly548Arg; c.1642G>A (NM_005559.3); short protein forms G548R.
Identifiers: ClinVar variation 1422673 (VCV001422673.10), dbSNP rs377172724, ClinGen allele CA8882934.
Genomic context (GRCh38, chr18:7,037,673, plus strand): 5'-AGTACTTGGGAGCCAGTCTCTGCATGACCGCGGTGTTGTTGATGCTGACCTGATGGCGCC[C>T]GCCTAGTGCATCTTGCTGAGACGGGATCTTCCTGGGACTGATCAAGTCGGTGACCAGCCA-3'
Protein context (NP_005550.2, residues 538-558): KIPSQQDALG[Gly548Arg]RHQVSINNTA

ClinVar aggregate classification (germline): Uncertain significance. Review status: criteria provided, multiple submitters, no conflicts (2 of 4 stars). 5 submissions from 5 submitters: Uncertain significance (5). Last evaluated 2025-12-02.

Conditions:
Inborn genetic diseases. Identifiers: MedGen C0950123, MeSH D030342.
Ataxia - intellectual disability - oculomotor apraxia - cerebellar cysts syndrome. Also called: Poretti-Boltshauser syndrome. Identifiers: Orphanet 370022, MedGen C4014821, MONDO:0014419, OMIM 615960.

Allele frequency attached by ClinVar (database versions not stated): ESP Exome Variant Server 0.00008; gnomAD exomes 0.00008 and 0.00013; ExAC 0.00009; gnomAD 0.00011 and 0.00012; TOPMed 0.00012.
gnomAD v4.1: 205 of 1,614,022 alleles (0.013%); highest among the groups gnomAD compares: Non-Finnish European, 0.016%; no homozygotes.

Submissions (5):

Women's Health and Genetics/Laboratory Corporation of America, LabCorp
Classification: Uncertain significance. Last evaluated: 2025-12-02. Review status: criteria provided, single submitter. Criteria: LabCorp Variant Classification Summary - May 2015. Collection method: clinical testing. Allele origin: germline.
Comment: Variant summary: LAMA1 c.1642G>A (p.Gly548Arg) results in a non-conservative amino acid change in the encoded protein sequence. Algorithms developed to predict the effect of missense changes on protein structure and function are either unavailable or do not agree on the potential impact of this missense change. The variant allele was found at a frequency of 7.6e-05 in 251468 control chromosomes. This frequency is not significantly higher than estimated for disease-causing variants in LAMA1, allowing no conclusion about variant significance. To our knowledge, no occurrence of c.1642G>A in individuals affected with LAMA1-related conditions and no experimental evidence demonstrating its impact on protein function have been reported. ClinVar contains an entry for this variant (Variation ID: 1422673). Based on the evidence outlined above, the variant was classified as uncertain significance.

Ambry Genetics
Classification: Uncertain significance for Inborn genetic diseases. Last evaluated: 2024-11-15. Review status: criteria provided, single submitter. Criteria: Ambry Variant Classification Scheme 2023. Collection method: clinical testing. Allele origin: germline.

Labcorp Genetics (formerly Invitae), Labcorp
Classification: Uncertain significance. Last evaluated: 2024-10-15. Review status: criteria provided, single submitter. Criteria: Invitae Variant Classification Sherloc (09022015). Collection method: clinical testing. Allele origin: germline.
Comment: This sequence change replaces glycine, which is neutral and non-polar, with arginine, which is basic and polar, at codon 548 of the LAMA1 protein (p.Gly548Arg). This variant is present in population databases (rs377172724, gnomAD 0.01%). This variant has not been reported in the literature in individuals affected with LAMA1-related conditions. ClinVar contains an entry for this variant (Variation ID: 1422673). An algorithm developed to predict the effect of missense changes on protein structure and function outputs the following: PolyPhen-2: "Benign". The arginine amino acid residue is found in multiple mammalian species, which suggests that this missense change does not adversely affect protein function. In summary, the available evidence is currently insufficient to determine the role of this variant in disease. Therefore, it has been classified as a Variant of Uncertain Significance.

Mayo Clinic Laboratories, Mayo Clinic
Classification: Uncertain significance. Last evaluated: 2024-05-13. Review status: criteria provided, single submitter. Criteria: ACMG Guidelines, 2015. Collection method: clinical testing. Allele origin: germline. Observed: 1 variant allele.
Comment: BP4

Laboratorio de Genetica e Diagnostico Molecular, Hospital Israelita Albert Einstein
Classification: Uncertain significance for Ataxia - intellectual disability - oculomotor apraxia - cerebellar cysts syndrome. Last evaluated: 2023-03-03. Review status: criteria provided, single submitter. Criteria: ACMG Guidelines, 2015. Collection method: clinical testing. Allele origin: germline. Affected: yes.
Comment: ACMG classification criteria: PM2 supporting, BP4 supporting